The following is an entry in ClinVar:

ClinVar aggregate classification (germline): Pathogenic (1 of 4 stars; one submission).

Conditions:
Joubert syndrome. Also called: CEREBELLOPARENCHYMAL DISORDER IV; JOUBERT-BOLTSHAUSER SYNDROME; Familial aplasia of the vermis. Identifiers: Orphanet 475, MedGen C5979921, MONDO:0018772.
Orofaciodigital syndrome I (OFD1). Also called: OFDS I; Papillon-Leage and Psaume Syndrome; Oral-Facial-Digital Syndrome Type I. Identifiers: Orphanet 2750, MedGen C1510460, MONDO:0010702, OMIM 311200.

Submission:

Labcorp Genetics (formerly Invitae), Labcorp
Classification: Pathogenic for Orofaciodigital syndrome I; Joubert syndrome. Last evaluated: 2022-11-10. Review status: criteria provided, single submitter. Criteria: Invitae Variant Classification Sherloc (09022015). Collection method: clinical testing. Allele origin: germline.
Comment: For these reasons, this variant has been classified as Pathogenic. This premature translational stop signal has been observed in individual(s) with clinical features of X-linked dominant OFD1-related conditions (Invitae). This variant is not present in population databases (gnomAD no frequency). This sequence change creates a premature translational stop signal (p.Glu372*) in the OFD1 gene. It is expected to result in an absent or disrupted protein product. Loss-of-function variants in OFD1 are known to be pathogenic (PMID: 16783569, 18546297, 27081566).

Literature cited by the submitters: PubMed 16783569; PubMed 18546297; PubMed 27081566.

NM_003611.3(OFD1):c.1114G>T (p.Glu372Ter)

Gene: OFD1 (OFD1 centriole and centriolar satellite protein; plus strand). Cytogenetic location: Xp22.2.
Variant type: single nucleotide variant.
Coding change: c.1114G>T on transcript NM_003611.3 (MANE Select); coding-DNA position 1114, G replaced by T.
Protein change: p.Glu372Ter; replaces glutamic acid 372 with a stop codon.
Molecular consequence: nonsense.
Genome position (GRCh38, 1-based): chrX:13,753,426, G>T. VCF-style: chrX-13753426-G-T. GRCh37 (hg19) VCF-style: chrX-13771545-G-T.
Other names: c.994G>T, p.Glu332Ter (NM_001330209.2); c.694G>T, p.Glu232Ter (NM_001330210.2); short protein forms E332*, E232*, E372*.
Identifiers: ClinVar variation 2941480 (VCV002941480.3), dbSNP rs2518886198, ClinGen allele CA412341900.